The following is an entry in ClinVar:

NM_001940.4(ATN1):c.1721del (p.Ser574fs)

Gene: ATN1 (atrophin 1; plus strand). Cytogenetic location: 12p13.31.
Variant type: Deletion.
Coding change: c.1721del on transcript NM_001940.4 (MANE Select); coding-DNA position 1721, one base deleted (C; older notation c.1721delC).
Protein change: p.Ser574fs; shifts the reading frame from serine 574.
Molecular consequence: frameshift variant.
Genome position (GRCh38, 1-based): chr12:6,936,988, C deleted. VCF-style (leftmost placement, unchanged base first): chr12-6936987-TC-T. GRCh37 (hg19) VCF-style: chr12-7046150-TC-T.
Other names: c.1721del, p.Ser574fs (NM_001007026.2, NM_001424176.1, NM_001424177.1 and 1 more transcripts); c.1718del, p.Ser573fs (NM_001424179.1, NM_001424180.1); c.1697del, p.Ser566fs (NM_001424182.1); short protein forms S566fs, S573fs, S574fs.
Identifiers: ClinVar variation 3369424 (VCV003369424.1).

ClinVar aggregate classification (germline): Uncertain significance (1 of 4 stars; one submission).

Submission:

GeneDx
Classification: Uncertain significance. Last evaluated: 2024-02-25. Review status: criteria provided, single submitter. Criteria: GeneDx Variant Classification Process June 2021. Collection method: clinical testing. Allele origin: germline. Affected: yes.
Comment: Not observed at significant frequency in large population cohorts (gnomAD); Frameshift variant predicted to result in protein truncation or nonsense mediated decay in a gene or region of a gene for which loss of function is not a well-established mechanism of disease; Has not been previously published as pathogenic or benign to our knowledge